The following is an entry in ClinVar:

ClinVar aggregate classification (germline): Pathogenic (1 of 4 stars; one submission).

Submission:

Labcorp Genetics (formerly Invitae), Labcorp
Classification: Pathogenic. Last evaluated: 2021-11-06. Review status: criteria provided, single submitter. Criteria: Invitae Variant Classification Sherloc (09022015). Collection method: clinical testing. Allele origin: germline.
Comment: For these reasons, this variant has been classified as Pathogenic. This variant has not been reported in the literature in individuals affected with DNAH9-related conditions. This variant is a gross deletion of the genomic region encompassing exon(s) 27 of the DNAH9 gene. This deletion is out-of-frame, and is expected to create a premature termination codon and result in an absent or disrupted protein product. Loss-of-function variants in DNAH9 are known to be pathogenic (PMID: 30471718).

Literature cited by the submitters: PubMed 30471718.

NC_000017.10:g.(?_11622631)_(11622827_?)del

Gene: DNAH9 (dynein axonemal heavy chain 9; plus strand). Cytogenetic location: 17p12.
Variant type: Deletion.
Identifiers: ClinVar variation 2424146 (VCV002424146.4).